The following is an entry in ClinVar:

NM_201525.4(ADGRG1):c.-35-8550T>C

Gene: ADGRG1 (adhesion G protein-coupled receptor G1; plus strand). Cytogenetic location: 16q21.
Variant type: single nucleotide variant.
Coding change: c.-35-8550T>C on transcript NM_201525.4 (MANE Select); 8550 bases into the intron before 35 bases upstream of the start codon, T replaced by C.
Molecular consequence: intron variant. On other transcripts: 5 prime UTR variant (17).
Genome position (GRCh38, 1-based): chr16:57,641,703, T>C. VCF-style: chr16-57641703-T-C. GRCh37 (hg19) VCF-style: chr16-57675615-T-C.
Other names: c.-41T>C (NM_001145770.3, NM_001145771.3, NM_001145772.3 and 11 more transcripts); c.-523T>C (NM_001370451.1); c.-607T>C (NM_001370453.1); c.-420T>C (NM_001370454.1); c.-35-8550T>C (NM_001370430.1, NM_001370438.1, NM_001370435.1 and 6 more transcripts); c.-517-8550T>C (NM_001290143.2); c.-518+2033T>C (NM_001290144.2).
Identifiers: ClinVar variation 516895 (VCV000516895.1), dbSNP rs1555538073, ClinGen allele CA658798608.

ClinVar aggregate classification (germline): Likely benign (1 of 4 stars; one submission).

Submission:

GeneDx
Classification: Likely benign. Last evaluated: 2018-03-13. Review status: criteria provided, single submitter. Criteria: GeneDx Variant Classification (06012015). Collection method: clinical testing. Allele origin: germline. Affected: yes.
Comment: This variant is considered likely benign or benign based on one or more of the following criteria: it is a conservative change, it occurs at a poorly conserved position in the protein, it is predicted to be benign by multiple in silico algorithms, and/or has population frequency not consistent with disease.